The following is an entry in ClinVar:

ClinVar aggregate classification (germline): Uncertain significance (1 of 4 stars; one submission).

Allele frequency attached by ClinVar (database versions not stated): TOPMed 0.00002.
gnomAD v4.1: 59 of 1,613,916 alleles (0.0037%); highest among the groups gnomAD compares: Non-Finnish European, 0.0049%; no homozygotes.

Submission:

Labcorp Genetics (formerly Invitae), Labcorp
Classification: Uncertain significance. Last evaluated: 2024-11-05. Review status: criteria provided, single submitter. Criteria: Invitae Variant Classification Sherloc (09022015). Collection method: clinical testing. Allele origin: germline.
Comment: This sequence change affects codon 268 of the ELOVL4 mRNA. It is a 'silent' change, meaning that it does not change the encoded amino acid sequence of the ELOVL4 protein. This variant is present in population databases (no rsID available, gnomAD 0.002%). This variant has not been reported in the literature in individuals affected with ELOVL4-related conditions. ClinVar contains an entry for this variant (Variation ID: 946527). Algorithms developed to predict the effect of sequence changes on RNA splicing suggest that this variant may disrupt the consensus splice site. In summary, the available evidence is currently insufficient to determine the role of this variant in disease. Therefore, it has been classified as a Variant of Uncertain Significance.

NM_022726.4(ELOVL4):c.802C>A (p.Arg268=)

Gene: ELOVL4 (ELOVL fatty acid elongase 4; minus strand). Cytogenetic location: 6q14.1.
Variant type: single nucleotide variant.
Coding change: c.802C>A on transcript NM_022726.4 (MANE Select); coding-DNA position 802, C replaced by A.
Protein change: p.Arg268=; no amino-acid change (arginine 268 retained).
Molecular consequence: synonymous variant.
Genome position (GRCh38, 1-based): chr6:79,916,751, G>T on the plus strand (C>A on the coding strand, the complement: ELOVL4 is on the minus strand). VCF-style: chr6-79916751-G-T. GRCh37 (hg19) VCF-style: chr6-80626468-G-T.
Identifiers: ClinVar variation 946527 (VCV000946527.9), dbSNP rs978619635, ClinGen allele CA142270655.